The following is an entry in ClinVar:

NM_032861.4(SERAC1):c.1926_1930del (p.Gln642fs)

Gene: SERAC1 (serine active site containing 1; minus strand). Cytogenetic location: 6q25.3.
Variant type: Deletion.
Coding change: c.1926_1930del on transcript NM_032861.4 (MANE Select); coding-DNA positions 1926 to 1930, 5 bases deleted (ATTCA; older notation c.1926_1930delATTCA).
Protein change: p.Gln642fs; shifts the reading frame from glutamine 642.
Molecular consequence: frameshift variant.
Genome position (GRCh38, 1-based): chr6:158,111,401-158,111,405, TGAAT deleted on the plus strand (ATTCA on the coding strand, the reverse complement: SERAC1 is on the minus strand); deleting any 5 consecutive bases within chr6:158,111,401-158,111,407 gives the same sequence; the c. name uses the placement nearest the transcript's 3' end. VCF-style (leftmost placement, unchanged base first): chr6-158111400-ATGAAT-A. GRCh37 (hg19) VCF-style: chr6-158532432-ATGAAT-A.
Other names: short protein forms Q642fs.
Identifiers: ClinVar variation 2016801 (VCV002016801.4), dbSNP rs2483450348, ClinGen allele CA2580075271.

ClinVar aggregate classification (germline): Uncertain significance (1 of 4 stars; one submission).

Conditions:
3-methylglutaconic aciduria with deafness, encephalopathy, and Leigh-like syndrome (MEGDEL). Also called: MEGDEL syndrome; 3-METHYLGLUTACONIC ACIDURIA, TYPE VI; SERAC1 Deficiency. Identifiers: Orphanet 352328, MedGen C4040739, MONDO:0013875, OMIM 614739.

Submission:

Labcorp Genetics (formerly Invitae), Labcorp
Classification: Uncertain significance for 3-methylglutaconic aciduria with deafness, encephalopathy, and Leigh-like syndrome. Last evaluated: 2022-07-13. Review status: criteria provided, single submitter. Criteria: Invitae Variant Classification Sherloc (09022015). Collection method: clinical testing. Allele origin: germline.
Comment: Experimental studies and prediction algorithms are not available or were not evaluated, and the functional significance of this variant is currently unknown. This variant has not been reported in the literature in individuals affected with SERAC1-related conditions. This variant is not present in population databases (gnomAD no frequency). This sequence change creates a premature translational stop signal (p.Gln642Hisfs*3) in the SERAC1 gene. While this is not anticipated to result in nonsense mediated decay, it is expected to disrupt the last 13 amino acid(s) of the SERAC1 protein. In summary, the available evidence is currently insufficient to determine the role of this variant in disease. Therefore, it has been classified as a Variant of Uncertain Significance.